The following is an entry in ClinVar:

NM_005732.4(RAD50):c.2432_2433dup (p.Gln812fs)

Gene: RAD50 (RAD50 double strand break repair protein; plus strand). Cytogenetic location: 5q31.1.
Variant type: Duplication.
Coding change: c.2432_2433dup on transcript NM_005732.4 (MANE Select); coding-DNA positions 2432 to 2433, 2 bases duplicated (AA; older notation c.2432_2433dupAA).
Protein change: p.Gln812fs; shifts the reading frame from glutamine 812.
Molecular consequence: frameshift variant.
Genome position (GRCh38, 1-based): chr5:132,603,954-132,603,955, AA duplicated. VCF-style (leftmost placement, unchanged base first): chr5-132603953-C-CAA. GRCh37 (hg19) VCF-style: chr5-131939645-C-CAA.
Other names: short protein forms Q812fs.
Identifiers: ClinVar variation 3659188 (VCV003659188.2).

ClinVar aggregate classification (germline): Pathogenic (1 of 4 stars; one submission).

Conditions:
Hereditary cancer-predisposing syndrome. Also called: Hereditary Cancer Syndrome; Tumor predisposition; Hereditary neoplastic syndrome; Neoplastic Syndromes, Hereditary. Identifiers: Orphanet 140162, MedGen C0027672, MeSH D009386, MONDO:0015356.

Submission:

Labcorp Genetics (formerly Invitae), Labcorp
Classification: Pathogenic for Hereditary cancer-predisposing syndrome. Last evaluated: 2024-07-11. Review status: criteria provided, single submitter. Criteria: Invitae Variant Classification Sherloc (09022015). Collection method: clinical testing. Allele origin: germline.
Comment: This sequence change creates a premature translational stop signal (p.Gln812Asnfs*9) in the RAD50 gene. It is expected to result in an absent or disrupted protein product. Loss-of-function variants in RAD50 are known to be pathogenic (PMID: 19409520). This variant is not present in population databases (gnomAD no frequency). This variant has not been reported in the literature in individuals affected with RAD50-related conditions. Algorithms developed to predict the effect of sequence changes on RNA splicing suggest that this variant may disrupt the consensus splice site. For these reasons, this variant has been classified as Pathogenic.

Literature cited by the submitters: PubMed 19409520.